The following is an entry in ClinVar:

ClinVar aggregate classification (germline): Uncertain significance. Review status: criteria provided, multiple submitters, no conflicts (2 of 4 stars). 2 submissions from 2 submitters: Uncertain significance (2). Last evaluated 2024-09-18.

Conditions:
Inborn genetic diseases. Identifiers: MedGen C0950123, MeSH D030342.

Allele frequency attached by ClinVar (database versions not stated): gnomAD exomes 0.00001; ExAC 0.00003; gnomAD 0.00006; TOPMed 0.00006; ESP Exome Variant Server 0.00008.
gnomAD v4.1: 9 of 1,613,408 alleles (0.00056%); highest among the groups gnomAD compares: African/African-American, 0.012%; no homozygotes.

Submissions (2):

Ambry Genetics
Classification: Uncertain significance for Inborn genetic diseases. Last evaluated: 2024-09-18. Review status: criteria provided, single submitter. Criteria: Ambry Variant Classification Scheme 2023. Collection method: clinical testing. Allele origin: germline.

Labcorp Genetics (formerly Invitae), Labcorp
Classification: Uncertain significance. Last evaluated: 2021-09-07. Review status: criteria provided, single submitter. Criteria: Invitae Variant Classification Sherloc (09022015). Collection method: clinical testing. Allele origin: germline.
Comment: This sequence change replaces aspartic acid with valine at codon 4197 of the PCLO protein (p.Asp4197Val). The aspartic acid residue is moderately conserved and there is a large physicochemical difference between aspartic acid and valine. This variant is present in population databases (rs376981617, ExAC 0.03%). This variant has not been reported in the literature in individuals affected with PCLO-related conditions. Algorithms developed to predict the effect of missense changes on protein structure and function are either unavailable or do not agree on the potential impact of this missense change (SIFT: "Deleterious"; PolyPhen-2: "Not Available"; Align-GVGD: "Class C0"). In summary, the available evidence is currently insufficient to determine the role of this variant in disease. Therefore, it has been classified as a Variant of Uncertain Significance.

NM_033026.6(PCLO):c.12590A>T (p.Asp4197Val)

Gene: PCLO (piccolo presynaptic cytomatrix protein; minus strand). Cytogenetic location: 7q21.11.
Variant type: single nucleotide variant.
Coding change: c.12590A>T on transcript NM_033026.6 (MANE Select); coding-DNA position 12590, A replaced by T.
Protein change: p.Asp4197Val; replaces aspartic acid 4197 with valine.
Molecular consequence: missense variant.
Genome position (GRCh38, 1-based): chr7:82,915,396, T>A on the plus strand (A>T on the coding strand, the complement: PCLO is on the minus strand). VCF-style: chr7-82915396-T-A. GRCh37 (hg19) VCF-style: chr7-82544712-T-A.
Other names: c.12590A>T, p.Asp4197Val (NM_014510.3); c.12590A>T (NM_033026.5); short protein forms D4197V.
Identifiers: ClinVar variation 1441377 (VCV001441377.6), dbSNP rs376981617, ClinGen allele CA4319347.